The following is an entry in ClinVar:

ClinVar aggregate classification (germline): Likely benign (1 of 4 stars; one submission).

Allele frequency attached by ClinVar (database versions not stated): TOPMed 0.00274; gnomAD 0.00151; 1000 Genomes Project 30x 0.00234; 1000 Genomes Project 0.00200.
gnomAD v4.1: 230 of 152,200 alleles (0.15%); highest among the groups gnomAD compares: Admixed American, 1.4%; 1 homozygote.

Submission:

CeGaT Center for Human Genetics Tuebingen
Classification: Likely benign. Last evaluated: 2026-09-01. Review status: criteria provided, single submitter. Criteria: CeGaT Center For Human Genetics Tuebingen Variant Classification Criteria Version 2. Collection method: clinical testing. Allele origin: germline. Affected: yes. Observed: 12 variant alleles.
Comment: TMEM138: BS1

NM_001441181.1(TMEM138):c.*1248G>A

Gene: TMEM138 (transmembrane protein 138; plus strand). Cytogenetic location: 11q12.2.
Variant type: single nucleotide variant.
Coding change: c.*1248G>A on transcript NM_001441181.1; 1248 bases downstream of the stop codon, G replaced by A.
Molecular consequence: 3 prime UTR variant. On other transcripts: missense variant (1).
Genome position (GRCh38, 1-based): chr11:61,376,471, G>A. VCF-style: chr11-61376471-G-A. GRCh37 (hg19) VCF-style: chr11-61143943-G-A.
Other names: c.385G>A, p.Glu129Lys (NM_001410998.1); short protein forms E129K.
Identifiers: ClinVar variation 2641827 (VCV002641827.22), dbSNP rs187122512, ClinGen allele CA222878439.
Genomic context (GRCh38, chr11:61,376,471, plus strand): 5'-TTGTTAGATTCTTGTCTTGCCTAATGTTTTTCAATTTTATTATTTTCTACAGTTTGGACC[G>A]AATTCTAATTTTTCTTGACTACAAGTCTTCAAAATAATGTTTTCATTTTTTTCTTCTTTT-3'